The following is an entry in ClinVar:

ClinVar aggregate classification (germline): Pathogenic (1 of 4 stars; one submission).

Conditions:
Primary pulmonary hypertension. Also called: Idiopathic pulmonary hypertension. Identifiers: MedGen C0152171.

Submission:

Labcorp Genetics (formerly Invitae), Labcorp
Classification: Pathogenic for Primary pulmonary hypertension. Last evaluated: 2025-12-10. Review status: criteria provided, single submitter. Criteria: Invitae Variant Classification Sherloc (09022015). Collection method: clinical testing. Allele origin: germline.
Comment: This sequence change creates a premature translational stop signal (p.Tyr67*) in the BMPR2 gene. It is expected to result in an absent or disrupted protein product. Loss-of-function variants in BMPR2 are known to be pathogenic (PMID: 16429395). This variant is not present in population databases (gnomAD no frequency). This variant has not been reported in the literature in individuals affected with BMPR2-related conditions. Algorithms developed to predict the effect of sequence changes on RNA splicing suggest that this variant may disrupt the consensus splice site. For these reasons, this variant has been classified as Pathogenic.

Literature cited by the submitters: PubMed 16429395.

NM_001204.7(BMPR2):c.201del (p.Cys66_Tyr67insTer)

Gene: BMPR2 (bone morphogenetic protein receptor type 2; plus strand). Cytogenetic location: 2q33.1.
Variant type: Deletion.
Coding change: c.201del on transcript NM_001204.7 (MANE Select); coding-DNA position 201, one base deleted (T; older notation c.201delT).
Protein change: p.Cys66_Tyr67insTer.
Molecular consequence: nonsense.
Genome position (GRCh38, 1-based): chr2:202,464,933, T deleted. VCF-style (leftmost placement, unchanged base first): chr2-202464932-AT-A. GRCh37 (hg19) VCF-style: chr2-203329655-AT-A.
Identifiers: ClinVar variation 4728239 (VCV004728239.1).
Genomic context (GRCh38, chr2:202,464,932, plus strand): 5'-GTGAGAGTAGAATCTCTCATGAAAATGGGACAATATTATGCTCGAAAGGTAGCACCTGCT[AT>A]GGCCTTTGGGAGAAATCAAAAGGGGACATAAATCTTGTAAAACAAGGCAAGTGATACTTT-3'